The following is an entry in ClinVar:

NM_000263.4(NAGLU):c.1012A>G (p.Met338Val)

Gene: NAGLU (N-acetyl-alpha-glucosaminidase; plus strand). Cytogenetic location: 17q21.2.
Variant type: single nucleotide variant.
Coding change: c.1012A>G on transcript NM_000263.4 (MANE Select); coding-DNA position 1012, A replaced by G.
Protein change: p.Met338Val; replaces methionine 338 with valine.
Molecular consequence: missense variant.
Genome position (GRCh38, 1-based): chr17:42,541,197, A>G. VCF-style: chr17-42541197-A-G. GRCh37 (hg19) VCF-style: chr17-40693215-A-G.
Other names: short protein forms M338V.
Identifiers: ClinVar variation 4687441 (VCV004687441.2).
Genomic context (GRCh38, chr17:42,541,197, plus strand): 5'-CAGCCACCTTCCTCAGAGCCCTCCTACCTTGCCGCAGCCACCACTGCCGTCTATGAGGCC[A>G]TGACTGCAGGTACAGTGCCTGGGTGGGGTGGGAGAGCCCCCCAGACCCTCAAAAAGAAGG-3'
Protein context (NP_000254.2, residues 328-348): AAATTAVYEA[Met338Val]TAVDTEAVWL

ClinVar aggregate classification (germline): Uncertain significance. Review status: criteria provided, multiple submitters, no conflicts (2 of 4 stars). 2 submissions from 2 submitters: Uncertain significance (2). Last evaluated 2026-03-19.

Conditions:
Mucopolysaccharidosis, MPS-III-B (MPS3B). Also called: N-ACETYL-ALPHA-D-GLUCOSAMINIDASE DEFICIENCY; NAGLU DEFICIENCY; SANFILIPPO SYNDROME B; MPS III B; MUCOPOLYSACCHARIDOSIS, TYPE IIIB; Mucopolysaccharidosis type IIIB (Sanfilippo B). Identifiers: Orphanet 79270, MedGen C0086648, MONDO:0009656, OMIM 252920.

Submissions (2):

Myriad Genetics, Inc.
Classification: Uncertain significance for Mucopolysaccharidosis, MPS-III-B. Last evaluated: 2026-03-19. Review status: criteria provided, single submitter. Criteria: Myriad Autosomal Dominant, Autosomal Recessive and X-Linked Classification Criteria (2023). Collection method: clinical testing. Allele origin: unknown.
Comment: NM_000263.3(NAGLU):c.1012A>G(M338V) is a missense variant classified as a variant of uncertain significance in the context of mucopolysaccharidosis type IIIB. M338V has been observed in a case with relevant disease (PMID: 24314109). Relevant functional assessments of this variant are not available in the literature. M338V has been observed in referenced population frequency databases. In summary, there is insufficient evidence to classify NM_000263.3(NAGLU):c.1012A>G(M338V) as pathogenic or benign. Please note: this variant was assessed in the context of healthy population screening.

Women's Health and Genetics/Laboratory Corporation of America, LabCorp
Classification: Uncertain significance. Last evaluated: 2025-10-29. Review status: criteria provided, single submitter. Criteria: LabCorp Variant Classification Summary - May 2015. Collection method: clinical testing. Allele origin: germline.
Comment: Variant summary: NAGLU c.1012A>G (p.Met338Val) results in a conservative amino acid change in the encoded protein sequence. Algorithms developed to predict the effect of missense changes on protein structure and function are either unavailable or do not agree on the potential impact of this missense change. The variant allele was found at a frequency of 4e-06 in 250174 control chromosomes (gnomAD). The available data on variant occurrences in the general population are insufficient to allow any conclusion about variant significance. c.1012A>G has been observed in trans with a pathogenic variant in an individual affected with Mucopolysaccharidosis Type IIIB (Sanfilippo Syndrome B)(Delgadillo_2013). These data do not allow any conclusion about variant significance. To our knowledge, no experimental evidence demonstrating an impact on protein function has been reported. The following publication has been ascertained in the context of this evaluation (PMID: 24314109). No submitters have cited clinical-significance assessments for this variant to ClinVar. Based on the evidence outlined above, the variant was classified as uncertain significance.

Literature cited by the submitters: PubMed 24314109 (cited by Myriad Genetics, Inc. and Women's Health and Genetics/Laboratory Corporation of America, LabCorp).